The following is an entry in ClinVar:

NM_003680.4(YARS1):c.1247A>C (p.Gln416Pro)

Gene: YARS1 (tyrosyl-tRNA synthetase 1; minus strand). Cytogenetic location: 1p35.1.
Variant type: single nucleotide variant.
Coding change: c.1247A>C on transcript NM_003680.4 (MANE Select); coding-DNA position 1247, A replaced by C.
Protein change: p.Gln416Pro; replaces glutamine 416 with proline.
Molecular consequence: missense variant.
Genome position (GRCh38, 1-based): chr1:32,780,172, T>G on the plus strand (A>C on the coding strand, the complement: YARS1 is on the minus strand). VCF-style: chr1-32780172-T-G. GRCh37 (hg19) VCF-style: chr1-33245773-T-G.
Other names: short protein forms Q416P.
Identifiers: ClinVar variation 4739035 (VCV004739035.1).

ClinVar aggregate classification (germline): Uncertain significance (1 of 4 stars; one submission).

Conditions:
Charcot-Marie-Tooth disease dominant intermediate C (CMTDIC). Also called: CHARCOT-MARIE-TOOTH NEUROPATHY, DOMINANT INTERMEDIATE C. Identifiers: Orphanet 100045, MedGen C1842237, MONDO:0012012, OMIM 608323.

gnomAD v4.1: 7 of 1,614,198 alleles (0.00043%); highest among the groups gnomAD compares: Non-Finnish European, 0.00059%; no homozygotes.

Submission:

Labcorp Genetics (formerly Invitae), Labcorp
Classification: Uncertain significance for Charcot-Marie-Tooth disease dominant intermediate C. Last evaluated: 2025-06-01. Review status: criteria provided, single submitter. Criteria: Invitae Variant Classification Sherloc (09022015). Collection method: clinical testing. Allele origin: germline.
Comment: This sequence change replaces glutamine, which is neutral and polar, with proline, which is neutral and non-polar, at codon 416 of the YARS protein (p.Gln416Pro). This variant is present in population databases (no rsID available, gnomAD 0.0009%). This variant has not been reported in the literature in individuals affected with YARS-related conditions. Invitae Evidence Modeling of protein sequence and biophysical properties (such as structural, functional, and spatial information, amino acid conservation, physicochemical variation, residue mobility, and thermodynamic stability) indicates that this missense variant is not expected to disrupt YARS protein function with a negative predictive value of 80%. In summary, the available evidence is currently insufficient to determine the role of this variant in disease. Therefore, it has been classified as a Variant of Uncertain Significance.